The following is an entry in ClinVar:

ClinVar aggregate classification (germline): Uncertain significance (1 of 4 stars; one submission).

Conditions:
Hypertrophic cardiomyopathy. Also called: HYPERTROPHIC MYOCARDIOPATHY. Identifiers: Orphanet 217569, MedGen C0007194, MeSH D002312, MONDO:0005045, HP:0001639.

Submission:

Labcorp Genetics (formerly Invitae), Labcorp
Classification: Uncertain significance for Hypertrophic cardiomyopathy. Last evaluated: 2022-02-09. Review status: criteria provided, single submitter. Criteria: Invitae Variant Classification Sherloc (09022015). Collection method: clinical testing. Allele origin: germline.
Comment: A copy number gain of the genomic region encompassing the full coding sequence of the MYH7 gene has been identified. The boundaries of this event are unknown as they extend beyond the assayed region for this gene and therefore may encompass additional genes. As the precise location of this event is unknown, it may be in tandem or it may be located elsewhere in the genome. This variant has not been reported in the literature in individuals affected with MYH7-related conditions. In summary, the available evidence is currently insufficient to determine the role of this variant in disease. Therefore, it has been classified as a Variant of Uncertain Significance.

NC_000014.8:g.(?_23851249)_(23902941_?)dup

Genes: MIR208A (microRNA 208a; minus strand), MIR208B (microRNA 208b; minus strand), MYH6 (myosin heavy chain 6; minus strand), MYH7 (myosin heavy chain 7; minus strand). Cytogenetic location: 14q11.2.
Variant type: Duplication.
Identifiers: ClinVar variation 2422699 (VCV002422699.3).